The following is an entry in ClinVar:

ClinVar aggregate classification (germline): Uncertain significance (1 of 4 stars; one submission).

Conditions:
Combined immunodeficiency due to DOCK8 deficiency (HIES2). Also called: HYPER-IgE SYNDROME 2, AUTOSOMAL RECESSIVE, WITH RECURRENT INFECTIONS; HIES autosomal recessive; Hyper-IgE recurrent infection syndrome, autosomal recessive; HYPER-IgE RECURRENT INFECTION SYNDROME 2, AUTOSOMAL RECESSIVE; DOCK8 Deficiency. Identifiers: Orphanet 217390, MedGen C4722305, MONDO:0009478, OMIM 243700.

gnomAD v4.1: 12 of 1,613,728 alleles (0.00074%); highest among the groups gnomAD compares: Admixed American, 0.0017%; no homozygotes.

Submission:

Labcorp Genetics (formerly Invitae), Labcorp
Classification: Uncertain significance for Combined immunodeficiency due to DOCK8 deficiency. Last evaluated: 2025-07-24. Review status: criteria provided, single submitter. Criteria: Invitae Variant Classification Sherloc (09022015). Collection method: clinical testing. Allele origin: germline.
Comment: This sequence change replaces alanine, which is neutral and non-polar, with threonine, which is neutral and polar, at codon 1669 of the DOCK8 protein (p.Ala1669Thr). This variant is present in population databases (rs775659874, gnomAD 0.004%). This variant has not been reported in the literature in individuals affected with DOCK8-related conditions. Invitae Evidence Modeling of protein sequence and biophysical properties (such as structural, functional, and spatial information, amino acid conservation, physicochemical variation, residue mobility, and thermodynamic stability) has been performed for this missense variant. However, the output from this modeling did not meet the statistical confidence thresholds required to predict the impact of this variant on DOCK8 protein function. In summary, the available evidence is currently insufficient to determine the role of this variant in disease. Therefore, it has been classified as a Variant of Uncertain Significance.

NM_203447.4(DOCK8):c.5005G>A (p.Ala1669Thr)

Gene: DOCK8 (dedicator of cytokinesis 8; plus strand). Cytogenetic location: 9p24.3.
Variant type: single nucleotide variant.
Coding change: c.5005G>A on transcript NM_203447.4 (MANE Select); coding-DNA position 5005, G replaced by A.
Protein change: p.Ala1669Thr; replaces alanine 1669 with threonine.
Molecular consequence: missense variant.
Genome position (GRCh38, 1-based): chr9:434,901, G>A. VCF-style: chr9-434901-G-A. GRCh37 (hg19) VCF-style: chr9-434901-G-A.
Other names: c.4705G>A, p.Ala1569Thr (NM_001190458.2); c.4801G>A, p.Ala1601Thr (NM_001193536.2); short protein forms A1569T, A1669T, A1601T.
Identifiers: ClinVar variation 4708149 (VCV004708149.1).